The following is an entry in ClinVar:

ClinVar aggregate classification (germline): Uncertain significance (1 of 4 stars; one submission).

Conditions:
THPO-related disorder. Also called: THPO-related condition.

Submission:

PreventionGenetics, part of Exact Sciences
Classification: Uncertain significance for THPO-related condition. Last evaluated: 2024-12-09. Review status: criteria provided, single submitter. Criteria: ACMG Guidelines, 2015. Collection method: clinical testing. Allele origin: germline.
Comment: The THPO c.187T>C variant is predicted to result in the amino acid substitution p.Cys63Arg. Of note, this variant is also referred to as c.-234T>C (pre-coding) with the more commonly reported transcript, NM_000460. To our knowledge, this variant has not been reported in the literature or in a large population database (gnomAD), indicating this variant is rare. At this time, the clinical significance of this variant is uncertain due to the absence of conclusive functional and genetic evidence.

NM_000460.4(THPO):c.-234T>C

Gene: THPO (thrombopoietin; minus strand). Cytogenetic location: 3q27.1.
Variant type: single nucleotide variant.
Coding change: c.-234T>C on transcript NM_000460.4 (MANE Select); 234 bases upstream of the start codon, T replaced by C.
Molecular consequence: 5 prime UTR variant. On other transcripts: missense variant (1), intron variant (1).
Genome position (GRCh38, 1-based): chr3:184,378,163, A>G on the plus strand (T>C on the coding strand, the complement: THPO is on the minus strand). VCF-style: chr3-184378163-A-G. GRCh37 (hg19) VCF-style: chr3-184095951-A-G.
Other names: c.-234T>C (NM_001177597.2, NM_001177598.2, NM_001289997.1 and 4 more transcripts); c.187T>C, p.Cys63Arg (NM_001290003.1); c.-146+1428T>C (NM_001290028.1); short protein forms C63R.
Identifiers: ClinVar variation 4987803 (VCV004987803.1).